The following is an entry in ClinVar:

ClinVar aggregate classification (germline): Uncertain significance (1 of 4 stars; one submission).

Conditions:
Charcot-Marie-Tooth disease axonal type 2U. Also called: CHARCOT-MARIE-TOOTH NEUROPATHY, TYPE 2U; CHARCOT-MARIE-TOOTH DISEASE, AXONAL, AUTOSOMAL DOMINANT, TYPE 2U. Identifiers: Orphanet 397735, MedGen C4084821, MONDO:0014566, OMIM 616280.
Severe early-onset pulmonary alveolar proteinosis due to MARS deficiency. Also called: PULMONARY ALVEOLAR PROTEINOSIS, REUNION ISLAND; Interstitial lung and liver disease. Identifiers: Orphanet 440427, MedGen C4225400, MONDO:0014206, OMIM 615486.

Submission:

Labcorp Genetics (formerly Invitae), Labcorp
Classification: Uncertain significance for Charcot-Marie-Tooth disease axonal type 2U; Severe early-onset pulmonary alveolar proteinosis due to MARS deficiency. Last evaluated: 2022-10-13. Review status: criteria provided, single submitter. Criteria: Invitae Variant Classification Sherloc (09022015). Collection method: clinical testing. Allele origin: germline.
Comment: This variant has not been reported in the literature in individuals affected with MARS-related conditions. This variant is not present in population databases (gnomAD no frequency). This sequence change replaces tryptophan, which is neutral and slightly polar, with cysteine, which is neutral and slightly polar, at codon 464 of the MARS protein (p.Trp464Cys). In summary, the available evidence is currently insufficient to determine the role of this variant in disease. Therefore, it has been classified as a Variant of Uncertain Significance. Algorithms developed to predict the effect of missense changes on protein structure and function are either unavailable or do not agree on the potential impact of this missense change (SIFT: "Deleterious"; PolyPhen-2: "Possibly Damaging"; Align-GVGD: "Class C0").

NM_004990.4(MARS1):c.1392G>T (p.Trp464Cys)

Gene: MARS1 (methionyl-tRNA synthetase 1; plus strand). Cytogenetic location: 12q13.3.
Variant type: single nucleotide variant.
Coding change: c.1392G>T on transcript NM_004990.4 (MANE Select); coding-DNA position 1392, G replaced by T.
Protein change: p.Trp464Cys; replaces tryptophan 464 with cysteine.
Molecular consequence: missense variant.
Genome position (GRCh38, 1-based): chr12:57,511,721, G>T. VCF-style: chr12-57511721-G-T. GRCh37 (hg19) VCF-style: chr12-57905504-G-T.
Other names: short protein forms W464C.
Identifiers: ClinVar variation 2108067 (VCV002108067.4), dbSNP rs2540312395, ClinGen allele CA385461030.
Genomic context (GRCh38, chr12:57,511,721, plus strand): 5'-ACTTTCCTAAATCAGCCCTCTTTCTCCGTTATCTCAGCTGGAGAAGCGACTGGAGGAGTG[G>T]TTGGGGAGGACATTGCCTGGCAGTGACTGGACACCCAATGCCCAGTTTATCACCCGTTCT-3'
Protein context (NP_004981.2, residues 454-474): LPKLEKRLEE[Trp464Cys]LGRTLPGSDW